The following is an entry in ClinVar:

NM_001378452.1(ITPR1):c.1508A>G (p.Asn503Ser)

Gene: ITPR1 (inositol 1,4,5-trisphosphate receptor type 1; plus strand). Cytogenetic location: 3p26.1.
Variant type: single nucleotide variant.
Coding change: c.1508A>G on transcript NM_001378452.1 (MANE Select); coding-DNA position 1508, A replaced by G.
Protein change: p.Asn503Ser; replaces asparagine 503 with serine.
Molecular consequence: missense variant.
Genome position (GRCh38, 1-based): chr3:4,663,160, A>G. VCF-style: chr3-4663160-A-G. GRCh37 (hg19) VCF-style: chr3-4704844-A-G.
Other names: c.1508A>G, p.Asn503Ser (NM_001099952.4); c.1463A>G, p.Asn488Ser (NM_001168272.2, NM_002222.7); short protein forms N488S, N503S.
Identifiers: ClinVar variation 1704056 (VCV001704056.4), dbSNP rs577855777, ClinGen allele CA2231202.

ClinVar aggregate classification (germline): Uncertain significance. Review status: criteria provided, multiple submitters, no conflicts (2 of 4 stars). 2 submissions from 2 submitters: Uncertain significance (2). Last evaluated 2025-04-25.

Conditions:
Inborn genetic diseases. Identifiers: MedGen C0950123, MeSH D030342.

Allele frequency attached by ClinVar (database versions not stated): ExAC 0.00001; TOPMed 0.00002; 1000 Genomes Project 0.00020; gnomAD 0.00001; gnomAD exomes 0.00001; 1000 Genomes Project 30x 0.00016.
gnomAD v4.1: 12 of 1,613,750 alleles (0.00074%); highest among the groups gnomAD compares: East Asian, 0.0045%; no homozygotes.

Submissions (2):

Ambry Genetics
Classification: Uncertain significance for Inborn genetic diseases. Last evaluated: 2025-04-25. Review status: criteria provided, single submitter. Criteria: Ambry Variant Classification Scheme 2023. Collection method: clinical testing. Allele origin: germline.

GeneDx
Classification: Uncertain significance. Last evaluated: 2023-12-06. Review status: criteria provided, single submitter. Criteria: GeneDx Variant Classification Process June 2021. Collection method: clinical testing. Allele origin: germline. Affected: yes.
Comment: In silico analysis supports that this missense variant has a deleterious effect on protein structure/function; Not observed at significant frequency in large population cohorts (gnomAD); Has not been previously published as pathogenic or benign to our knowledge